The following is an entry in ClinVar:

NM_178857.6(RP1L1):c.4478C>T (p.Ala1493Val)

Gene: RP1L1 (RP1 like 1). Cytogenetic location: 8p23.1.
Variant type: single nucleotide variant.
Coding change: c.4478C>T on transcript NM_178857.6 (MANE Select); coding-DNA position 4478, C replaced by T.
Protein change: p.Ala1493Val; replaces alanine 1493 with valine.
Molecular consequence: missense variant.
Genome position (GRCh38, 1-based): chr8:10,609,620, G>A on the plus strand (C>T on the coding strand, the complement: RP1L1 is on the minus strand). VCF-style: chr8-10609620-G-A. GRCh37 (hg19) VCF-style: chr8-10467130-G-A.
Other names: short protein forms A1493V.
Identifiers: ClinVar variation 361278 (VCV000361278.6), dbSNP rs138261433, ClinGen allele CA4624011.

ClinVar aggregate classification (germline): Benign/Likely benign. Review status: criteria provided, multiple submitters, no conflicts (2 of 4 stars). 2 submissions from 2 submitters: Benign (1); Likely benign (1). Last evaluated 2024-11-27.

Conditions:
Occult macular dystrophy (OCMD). Also called: OMD; OCCULT MACULAR DYSTROPHY, SUSCEPTIBILITY TO. Identifiers: Orphanet 247834, MedGen C3150833, MONDO:0013316, OMIM 613587, HP:0030636.

Allele frequency attached by ClinVar (database versions not stated): gnomAD exomes 0.00057 and 0.00153; ExAC 0.00183; 1000 Genomes Project 0.00439; 1000 Genomes Project 30x 0.00500; ESP Exome Variant Server 0.00579; gnomAD 0.00641 and 0.00697; TOPMed 0.00693.
gnomAD v4.1: 1,842 of 1,607,286 alleles (0.11%); highest among the groups gnomAD compares: African/African-American, 2.1%; 15 homozygotes.

Submissions (2):

Blueprint Genetics
Classification: Likely benign. Last evaluated: 2024-11-27. Review status: criteria provided, single submitter. Criteria: ACMG Guidelines, 2015. Collection method: clinical testing. Allele origin: germline.

Illumina Laboratory Services, Illumina
Classification: Benign for Occult macular dystrophy. Last evaluated: 2018-01-13. Review status: criteria provided, single submitter. Criteria: ICSL Variant Classification Criteria 13 December 2019. Collection method: clinical testing. Allele origin: germline.
Comment: This variant was observed in the ICSL laboratory as part of a predisposition screen in an ostensibly healthy population. It had not been previously curated by ICSL or reported in the Human Gene Mutation Database (HGMD: prior to June 1st, 2018), and was therefore a candidate for classification through an automated scoring system. Utilizing variant allele frequency, disease prevalence and penetrance estimates, and inheritance mode, an automated score was calculated to assess if this variant is too frequent to cause the disease. Based on the score and internal cut-off values, a variant classified as benign is not then subjected to further curation. The score for this variant resulted in a classification of benign for this disease.